The following is an entry in ClinVar:

ClinVar aggregate classification (germline): Uncertain significance (1 of 4 stars; one submission).

Conditions:
Inborn genetic diseases. Identifiers: MedGen C0950123, MeSH D030342.

Submission:

Ambry Genetics
Classification: Uncertain significance for Inborn genetic diseases. Last evaluated: 2024-12-22. Review status: criteria provided, single submitter. Criteria: Ambry Variant Classification Scheme 2023. Collection method: clinical testing. Allele origin: germline.
Comment: The p.S519T variant (also known as c.1555T>A), located in coding exon 7 of the SH2B3 gene, results from a T to A substitution at nucleotide position 1555. The serine at codon 519 is replaced by threonine, an amino acid with similar properties. This amino acid position is conserved. In addition, this alteration is predicted to be tolerated by in silico analysis. Based on the available evidence, the clinical significance of this variant remains unclear.

NM_005475.3(SH2B3):c.1555T>A (p.Ser519Thr)

Gene: SH2B3 (SH2B adaptor protein 3; plus strand). Cytogenetic location: 12q24.12.
Variant type: single nucleotide variant.
Coding change: c.1555T>A on transcript NM_005475.3 (MANE Select); coding-DNA position 1555, T replaced by A.
Protein change: p.Ser519Thr; replaces serine 519 with threonine.
Molecular consequence: missense variant.
Genome position (GRCh38, 1-based): chr12:111,448,129, T>A. VCF-style: chr12-111448129-T-A. GRCh37 (hg19) VCF-style: chr12-111885933-T-A.
Other names: c.949T>A, p.Ser317Thr (NM_001291424.1); short protein forms S519T, S317T.
Identifiers: ClinVar variation 3795032 (VCV003795032.1).